The following is an entry in ClinVar:

ClinVar aggregate classification (germline): Uncertain significance. Review status: criteria provided, multiple submitters, no conflicts (2 of 4 stars). 2 submissions from 2 submitters: Uncertain significance (2). Last evaluated 2025-03-25.

Conditions:
Inborn genetic diseases. Identifiers: MedGen C0950123, MeSH D030342.
ALG6-congenital disorder of glycosylation 1C (CDG1C). Also called: CARBOHYDRATE-DEFICIENT GLYCOPROTEIN SYNDROME, TYPE I, WITH DEFICIENT GLYCOSYLATION OF DOLICHOL-LINKED OLIGOSACCHARIDE; CARBOHYDRATE-DEFICIENT GLYCOPROTEIN SYNDROME, TYPE V; Congenital disorder of glycosylation type 1C; Congenital disorder of glycosylation, type Ic; CDG Ic. Identifiers: Orphanet 79320, MedGen C2930997, MONDO:0011291, OMIM 603147.

Allele frequency attached by ClinVar (database versions not stated): TOPMed below 0.00001.

Submissions (2):

Labcorp Genetics (formerly Invitae), Labcorp
Classification: Uncertain significance for ALG6-congenital disorder of glycosylation 1C. Last evaluated: 2025-03-25. Review status: criteria provided, single submitter. Criteria: Invitae Variant Classification Sherloc (09022015). Collection method: clinical testing. Allele origin: germline.
Comment: This sequence change replaces tyrosine, which is neutral and polar, with histidine, which is basic and polar, at codon 166 of the ALG6 protein (p.Tyr166His). This variant is not present in population databases (gnomAD no frequency). This variant has not been reported in the literature in individuals affected with ALG6-related conditions. ClinVar contains an entry for this variant (Variation ID: 2281586). Invitae Evidence Modeling of protein sequence and biophysical properties (such as structural, functional, and spatial information, amino acid conservation, physicochemical variation, residue mobility, and thermodynamic stability) indicates that this missense variant is expected to disrupt ALG6 protein function with a positive predictive value of 95%. In summary, the available evidence is currently insufficient to determine the role of this variant in disease. Therefore, it has been classified as a Variant of Uncertain Significance.

Ambry Genetics
Classification: Uncertain significance for Inborn genetic diseases. Last evaluated: 2022-04-07. Review status: criteria provided, single submitter. Criteria: Ambry Variant Classification Scheme 2023. Collection method: clinical testing. Allele origin: germline.

NM_013339.4(ALG6):c.496T>C (p.Tyr166His)

Gene: ALG6 (ALG6 alpha-1,3-glucosyltransferase; plus strand). Cytogenetic location: 1p31.3.
Variant type: single nucleotide variant.
Coding change: c.496T>C on transcript NM_013339.4 (MANE Select); coding-DNA position 496, T replaced by C.
Protein change: p.Tyr166His; replaces tyrosine 166 with histidine.
Molecular consequence: missense variant.
Genome position (GRCh38, 1-based): chr1:63,411,147, T>C. VCF-style: chr1-63411147-T-C. GRCh37 (hg19) VCF-style: chr1-63876818-T-C.
Other names: short protein forms Y166H.
Identifiers: ClinVar variation 2281586 (VCV002281586.3), dbSNP rs1644513732, ClinGen allele CA340634834.